The following is an entry in ClinVar:

NM_000047.3(ARSL):c.983G>A (p.Trp328Ter)

Gene: ARSL (arylsulfatase L; minus strand). Cytogenetic location: Xp22.33.
Variant type: single nucleotide variant.
Coding change: c.983G>A on transcript NM_000047.3 (MANE Select); coding-DNA position 983, G replaced by A.
Protein change: p.Trp328Ter; replaces tryptophan 328 with a stop codon.
Molecular consequence: nonsense.
Genome position (GRCh38, 1-based): chrX:2,946,006, C>T on the plus strand (G>A on the coding strand, the complement: ARSL is on the minus strand). VCF-style: chrX-2946006-C-T. GRCh37 (hg19) VCF-style: chrX-2864047-C-T.
Other names: c.1058G>A, p.Trp353Ter (NM_001282628.2, NM_001369080.1); c.821G>A, p.Trp274Ter (NM_001282631.2, NM_001440750.1); c.1010G>A, p.Trp337Ter (NM_001369079.1); c.983G>A, p.Trp328Ter (NM_001440751.1); short protein forms W274*, W328*, W337*, W353*.
Identifiers: ClinVar variation 4847304 (VCV004847304.1).
Genomic context (GRCh38, chrX:2,946,006, plus strand): 5'-TGCTTCTATTGCTGGAAGGGAAGCAGCCCATTTTCCCTGGAAGTGCACTTACCTACCATC[C>T]AGTCCATCTCCTCTACGTTGTCCCCATACAGCCCGTGGAGACTCTTCCCGAGGAAGTTCT-3'

ClinVar aggregate classification (germline): Pathogenic (1 of 4 stars; one submission).

Conditions:
Chondrodysplasia punctata, brachytelephalangic, autosomal. Also called: BRACHYTELEPHALANGIC CHONDRODYSPLASIA PUNCTATA. Identifiers: MedGen C1844853, MONDO:0011238, OMIM 602497.

Submission:

Women's Health and Genetics/Laboratory Corporation of America, LabCorp
Classification: Pathogenic for Chondrodysplasia punctata, brachytelephalangic, autosomal. Last evaluated: 2026-03-12. Review status: criteria provided, single submitter. Criteria: LabCorp Variant Classification Summary - May 2015. Collection method: clinical testing. Allele origin: germline.
Comment: Variant summary: ARSL c.983G>A (p.Trp328X) results in a premature termination codon, predicted to cause a truncation of the encoded protein or absence of the protein due to nonsense mediated decay, which are commonly known mechanisms for disease. The variant was absent in 205220 control chromosomes. To our knowledge, no occurrence of c.983G>A in individuals affected with ARSL-related conditions and no experimental evidence demonstrating its impact on protein function have been reported. No submitters have cited clinical-significance assessments for this variant to ClinVar. Based on the evidence outlined above, the variant was classified as pathogenic.